The following is an entry in ClinVar:

ClinVar aggregate classification (germline): Pathogenic (1 of 4 stars; one submission).

Submission:

GeneDx
Classification: Pathogenic. Last evaluated: 2019-01-24. Review status: criteria provided, single submitter. Criteria: GeneDx Variant Classification (06012015). Collection method: clinical testing. Allele origin: germline. Affected: yes.
Comment: Frameshift variant predicted to result in protein truncation or nonsense mediated decay in a gene for which loss-of-function is a known mechanism of disease Not observed in large population cohorts (Lek et al., 2016) Has not been previously published as pathogenic or benign to our knowledge

NM_031443.4(CCM2):c.586_589del (p.Val196fs)

Gene: CCM2 (CCM2 scaffold protein; plus strand). Cytogenetic location: 7p13.
Variant type: Deletion.
Coding change: c.586_589del on transcript NM_031443.4 (MANE Select); coding-DNA positions 586 to 589, 4 bases deleted (GTCA; older notation c.586_589delGTCA).
Protein change: p.Val196fs; shifts the reading frame from valine 196.
Molecular consequence: frameshift variant. On other transcripts: non-coding transcript variant (1), intron variant (1).
Genome position (GRCh38, 1-based): chr7:45,068,556-45,068,559, GTCA deleted. VCF-style (leftmost placement, unchanged base first): chr7-45068555-GGTCA-G. GRCh37 (hg19) VCF-style: chr7-45108154-GGTCA-G.
Other names: c.586_589del, p.Val196fs (NM_001363458.2); c.412_415del, p.Val138fs (NM_001363459.2, NM_001167934.2); c.472+3910_472+3913del (NM_001167935.2); c.649_652del, p.Val217fs (NM_001029835.2); short protein forms V138fs, V196fs, V217fs.
Identifiers: ClinVar variation 1173046 (VCV001173046.1), dbSNP rs2128749934, ClinGen allele CA2499218902.